The following is an entry in ClinVar:

NM_181552.4(CUX1):c.606A>G (p.Thr202=)

Gene: CUX1 (cut like homeobox 1; plus strand). Cytogenetic location: 7q22.1.
Variant type: single nucleotide variant.
Coding change: c.606A>G on transcript NM_181552.4 (MANE Select); coding-DNA position 606, A replaced by G.
Protein change: p.Thr202=; no amino-acid change (threonine 202 retained).
Molecular consequence: synonymous variant.
Genome position (GRCh38, 1-based): chr7:102,111,773, A>G. VCF-style: chr7-102111773-A-G. GRCh37 (hg19) VCF-style: chr7-101755053-A-G.
Other names: c.639A>G, p.Thr213= (NM_001202543.2, NM_001913.5, NM_181500.4); c.591A>G, p.Thr197= (NM_001202544.3); c.501A>G, p.Thr167= (NM_001202545.3); c.528A>G, p.Thr176= (NM_001202546.3).
Identifiers: ClinVar variation 3772571 (VCV003772571.13).

ClinVar aggregate classification (germline): Uncertain significance (1 of 4 stars; one submission).

Submission:

CeGaT Center for Human Genetics Tuebingen
Classification: Uncertain significance. Last evaluated: 2025-02-01. Review status: criteria provided, single submitter. Criteria: CeGaT Center For Human Genetics Tuebingen Variant Classification Criteria Version 2. Collection method: clinical testing. Allele origin: germline. Affected: yes. Observed: 1 variant allele.
Comment: CUX1: PM2, PP3